The following is an entry in ClinVar:

ClinVar aggregate classification (germline): Uncertain significance (1 of 4 stars; one submission).

gnomAD v4.1: 15 of 1,613,936 alleles (0.00093%); highest among the groups gnomAD compares: Admixed American, 0.0017%; no homozygotes.

Submission:

Labcorp Genetics (formerly Invitae), Labcorp
Classification: Uncertain significance. Last evaluated: 2025-04-23. Review status: criteria provided, single submitter. Criteria: Invitae Variant Classification Sherloc (09022015). Collection method: clinical testing. Allele origin: germline.
Comment: This sequence change replaces isoleucine, which is neutral and non-polar, with valine, which is neutral and non-polar, at codon 1105 of the LRP6 protein (p.Ile1105Val). This variant is present in population databases (rs756020856, gnomAD 0.003%). This variant has not been reported in the literature in individuals affected with LRP6-related conditions. Invitae Evidence Modeling of protein sequence and biophysical properties (such as structural, functional, and spatial information, amino acid conservation, physicochemical variation, residue mobility, and thermodynamic stability) indicates that this missense variant is not expected to disrupt LRP6 protein function with a negative predictive value of 80%. In summary, the available evidence is currently insufficient to determine the role of this variant in disease. Therefore, it has been classified as a Variant of Uncertain Significance.

NM_002336.3(LRP6):c.3313A>G (p.Ile1105Val)

Gene: LRP6 (LDL receptor related protein 6; minus strand). Cytogenetic location: 12p13.2.
Variant type: single nucleotide variant.
Coding change: c.3313A>G on transcript NM_002336.3 (MANE Select); coding-DNA position 3313, A replaced by G.
Protein change: p.Ile1105Val; replaces isoleucine 1105 with valine.
Molecular consequence: missense variant. On other transcripts: non-coding transcript variant (1).
Genome position (GRCh38, 1-based): chr12:12,147,450, T>C on the plus strand (A>G on the coding strand, the complement: LRP6 is on the minus strand). VCF-style: chr12-12147450-T-C. GRCh37 (hg19) VCF-style: chr12-12300384-T-C.
Other names: c.3313A>G, p.Ile1105Val (NM_001414244.1, NM_001414245.1, NM_001414246.1 and 4 more transcripts); c.3115A>G, p.Ile1039Val (NM_001414247.1); c.2860A>G, p.Ile954Val (NM_001414252.1, NM_001414253.1, NM_001414254.1); c.2806A>G, p.Ile936Val (NM_001414255.1); short protein forms I954V, I936V, I1039V, I1105V.
Identifiers: ClinVar variation 4700054 (VCV004700054.1).